The following is an entry in ClinVar:

ClinVar aggregate classification (germline): Uncertain significance. Review status: criteria provided, multiple submitters, no conflicts (2 of 4 stars). 2 submissions from 2 submitters: Uncertain significance (2). Last evaluated 2025-11-01.

Conditions:
DiGeorge syndrome. Also called: THIRD AND FOURTH PHARYNGEAL POUCH SYNDROME; Catch22. Identifiers: Orphanet 567, MedGen C0012236, MONDO:0008564, OMIM 188400.

Allele frequency attached by ClinVar (database versions not stated): gnomAD exomes below 0.00001; TOPMed below 0.00001; gnomAD 0.00001.

Submissions (2):

CeGaT Center for Human Genetics Tuebingen
Classification: Uncertain significance. Last evaluated: 2025-11-01. Review status: criteria provided, single submitter. Criteria: CeGaT Center For Human Genetics Tuebingen Variant Classification Criteria Version 2. Collection method: clinical testing. Allele origin: germline. Affected: yes. Observed: 1 variant allele.
Comment: TBX1: PP3

Labcorp Genetics (formerly Invitae), Labcorp
Classification: Uncertain significance for DiGeorge syndrome. Last evaluated: 2022-09-17. Review status: criteria provided, single submitter. Criteria: Invitae Variant Classification Sherloc (09022015). Collection method: clinical testing. Allele origin: germline.
Comment: Advanced modeling of protein sequence and biophysical properties (such as structural, functional, and spatial information, amino acid conservation, physicochemical variation, residue mobility, and thermodynamic stability) performed at Invitae indicates that this missense variant is not expected to disrupt TBX1 protein function. This variant has not been reported in the literature in individuals affected with TBX1-related conditions. This variant is present in population databases (no rsID available, gnomAD 0.0009%). This sequence change replaces methionine, which is neutral and non-polar, with isoleucine, which is neutral and non-polar, at codon 160 of the TBX1 protein (p.Met160Ile). In summary, the available evidence is currently insufficient to determine the role of this variant in disease. Therefore, it has been classified as a Variant of Uncertain Significance. Algorithms developed to predict the effect of sequence changes on RNA splicing suggest that this variant may create or strengthen a splice site.

NM_001379200.1(TBX1):c.507G>A (p.Met169Ile)

Gene: TBX1 (T-box transcription factor 1; plus strand). Cytogenetic location: 22q11.21.
Variant type: single nucleotide variant.
Coding change: c.507G>A on transcript NM_001379200.1 (MANE Select); coding-DNA position 507, G replaced by A.
Protein change: p.Met169Ile; replaces methionine 169 with isoleucine.
Molecular consequence: missense variant.
Genome position (GRCh38, 1-based): chr22:19,763,310, G>A. VCF-style: chr22-19763310-G-A. GRCh37 (hg19) VCF-style: chr22-19750833-G-A.
Other names: c.480G>A, p.Met160Ile (NM_005992.1, NM_080646.2, NM_080647.1); short protein forms M160I, M169I.
Identifiers: ClinVar variation 2140314 (VCV002140314.10), dbSNP rs1251158375, ClinGen allele CA410682313.